The following is an entry in ClinVar:

ClinVar aggregate classification (germline): Uncertain significance. Review status: criteria provided, multiple submitters, no conflicts (2 of 4 stars). 2 submissions from 2 submitters: Uncertain significance (2). Last evaluated 2025-04-07.

Conditions:
Hereditary cancer-predisposing syndrome. Also called: Neoplastic Syndromes, Hereditary; Tumor predisposition; Hereditary Cancer Syndrome; Hereditary neoplastic syndrome. Identifiers: Orphanet 140162, MedGen C0027672, MeSH D009386, MONDO:0015356.

Submissions (2):

Labcorp Genetics (formerly Invitae), Labcorp
Classification: Uncertain significance. Last evaluated: 2025-04-07. Review status: criteria provided, single submitter. Criteria: Invitae Variant Classification Sherloc (09022015). Collection method: clinical testing. Allele origin: germline.
Comment: This variant, c.297_299del, results in the deletion of 1 amino acid(s) of the MSH3 protein (p.Lys100del), but otherwise preserves the integrity of the reading frame. This variant is not present in population databases (gnomAD no frequency). This variant has not been reported in the literature in individuals affected with MSH3-related conditions. ClinVar contains an entry for this variant (Variation ID: 1798280). Experimental studies and prediction algorithms are not available or were not evaluated, and the functional significance of this variant is currently unknown. In summary, the available evidence is currently insufficient to determine the role of this variant in disease. Therefore, it has been classified as a Variant of Uncertain Significance.

Ambry Genetics
Classification: Uncertain significance for Hereditary cancer-predisposing syndrome. Last evaluated: 2021-06-29. Review status: criteria provided, single submitter. Criteria: Ambry Variant Classification Scheme 2023. Collection method: clinical testing. Allele origin: germline.
Comment: The c.297_299delGAA variant (also known as p.K100del) is located in coding exon 2 of the MSH3 gene. This variant results from an in-frame GAA deletion at nucleotide positions 297 to 299. This results in the in-frame deletion of a lysine at codon 100. This amino acid position is not well conserved in available vertebrate species. In addition, the in silico prediction for this alteration is inconclusive (Choi Y et al. PLoS ONE. 2012; 7(10):e46688). Since supporting evidence is limited at this time, the clinical significance of this alteration remains unclear.

NM_002439.5(MSH3):c.297_299del (p.Lys100del)

Gene: MSH3 (mutS homolog 3; plus strand). Cytogenetic location: 5q14.1.
Variant type: Deletion.
Coding change: c.297_299del on transcript NM_002439.5 (MANE Select); coding-DNA positions 297 to 299, 3 bases deleted (GAA; older notation c.297_299delGAA).
Protein change: p.Lys100del; deletes lysine 100.
Molecular consequence: inframe deletion.
Genome position (GRCh38, 1-based): chr5:80,656,470-80,656,472, GAA deleted; deleting any 3 consecutive bases within chr5:80,656,468-80,656,472 gives the same sequence; the c. name uses the placement nearest the transcript's 3' end. VCF-style (leftmost placement, unchanged base first): chr5-80656467-AAAG-A. GRCh37 (hg19) VCF-style: chr5-79952286-AAAG-A.
Other names: short protein forms K100del.
Identifiers: ClinVar variation 1798280 (VCV001798280.5), dbSNP rs2546712205, ClinGen allele CA2580073647.